The following is an entry in ClinVar:

ClinVar aggregate classification (germline): Uncertain significance. Review status: criteria provided, multiple submitters, no conflicts (2 of 4 stars). 4 submissions from 4 submitters: Uncertain significance (4). Last evaluated 2026-08-01.

Conditions:
ABCC6-related disorder. Also called: ABCC6-related condition.
Inborn genetic diseases. Identifiers: MedGen C0950123, MeSH D030342.
Autosomal recessive inherited pseudoxanthoma elasticum (PXE). Identifiers: Orphanet 758, MedGen CN032334, MONDO:0009925, OMIM 264800.
Pseudoxanthoma elasticum, forme fruste. Also called: Pseudoxanthoma Elasticum, Incomplete; PSEUDOXANTHOMA ELASTICUM, HETEROZYGOUS. Identifiers: Orphanet 758, MedGen C1867450, MONDO:0008333, OMIM 177850.
Arterial calcification, generalized, of infancy, 2. Identifiers: Orphanet 51608, MedGen C3276161, MONDO:0013768, OMIM 614473.

Allele frequency attached by ClinVar (database versions not stated): gnomAD exomes 0.00002 and 0.00003; ExAC 0.00004; gnomAD 0.00015 and 0.00016; TOPMed 0.00017; 1000 Genomes Project 0.00020; 1000 Genomes Project 30x 0.00031; ESP Exome Variant Server 0.00031.
gnomAD v4.1: 50 of 1,611,532 alleles (0.0031%); highest among the groups gnomAD compares: African/African-American, 0.06%; no homozygotes.

Submissions (4):

PreventionGenetics, part of Exact Sciences
Classification: Uncertain significance for ABCC6-related condition. Last evaluated: 2026-08-01. Review status: criteria provided, single submitter. Criteria: ACMG Guidelines, 2015. Collection method: clinical testing. Allele origin: germline.
Comment: The ABCC6 c.2074G>A variant is predicted to result in the amino acid substitution p.Ala692Thr. To our knowledge, this variant has not been reported in the literature. This variant is reported in 0.052% of alleles in individuals of African descent in gnomAD, which may be too frequent to be a primary cause of disease. Although we suspect that this variant may be benign, at this time, the clinical significance of this variant is uncertain due to the absence of conclusive functional and genetic evidence.

Fulgent Genetics
Classification: Uncertain significance for Pseudoxanthoma elasticum, forme fruste; Autosomal recessive inherited pseudoxanthoma elasticum; Arterial calcification, generalized, of infancy, 2. Last evaluated: 2024-03-28. Review status: criteria provided, single submitter. Criteria: ACMG Guidelines, 2015. Collection method: clinical testing. Allele origin: germline.

Ambry Genetics
Classification: Uncertain significance for Inborn genetic diseases. Last evaluated: 2024-01-09. Review status: criteria provided, single submitter. Criteria: Ambry Variant Classification Scheme 2023. Collection method: clinical testing. Allele origin: germline.

Labcorp Genetics (formerly Invitae), Labcorp
Classification: Uncertain significance. Last evaluated: 2022-08-22. Review status: criteria provided, single submitter. Criteria: Invitae Variant Classification Sherloc (09022015). Collection method: clinical testing. Allele origin: germline.
Comment: This sequence change replaces alanine, which is neutral and non-polar, with threonine, which is neutral and polar, at codon 692 of the ABCC6 protein (p.Ala692Thr). This variant is present in population databases (rs151272575, gnomAD 0.05%). This variant has not been reported in the literature in individuals affected with ABCC6-related conditions. ClinVar contains an entry for this variant (Variation ID: 1501641). Advanced modeling of protein sequence and biophysical properties (such as structural, functional, and spatial information, amino acid conservation, physicochemical variation, residue mobility, and thermodynamic stability) performed at Invitae indicates that this missense variant is not expected to disrupt ABCC6 protein function. In summary, the available evidence is currently insufficient to determine the role of this variant in disease. Therefore, it has been classified as a Variant of Uncertain Significance.

NM_001171.6(ABCC6):c.2074G>A (p.Ala692Thr)

Gene: ABCC6 (ATP binding cassette subfamily C member 6; minus strand). Cytogenetic location: 16p13.11.
Variant type: single nucleotide variant.
Coding change: c.2074G>A on transcript NM_001171.6 (MANE Select); coding-DNA position 2074, G replaced by A.
Protein change: p.Ala692Thr; replaces alanine 692 with threonine.
Molecular consequence: missense variant. On other transcripts: non-coding transcript variant (1).
Genome position (GRCh38, 1-based): chr16:16,182,585, C>T on the plus strand (G>A on the coding strand, the complement: ABCC6 is on the minus strand). VCF-style: chr16-16182585-C-T. GRCh37 (hg19) VCF-style: chr16-16276442-C-T.
Other names: c.1732G>A, p.Ala578Thr (NM_001351800.1); c.2074G>A (NM_001171.5); short protein forms A578T, A692T.
Identifiers: ClinVar variation 1501641 (VCV001501641.7), dbSNP rs151272575, ClinGen allele CA7926020.